The following is an entry in ClinVar:

NM_002181.4(IHH):c.228G>A (p.Glu76=)

Gene: IHH (Indian hedgehog signaling molecule; minus strand). Cytogenetic location: 2q35.
Variant type: single nucleotide variant.
Coding change: c.228G>A on transcript NM_002181.4 (MANE Select); coding-DNA position 228, G replaced by A.
Protein change: p.Glu76=; no amino-acid change (glutamic acid 76 retained).
Molecular consequence: synonymous variant.
Genome position (GRCh38, 1-based): chr2:219,060,240, C>T on the plus strand (G>A on the coding strand, the complement: IHH is on the minus strand). VCF-style: chr2-219060240-C-T. GRCh37 (hg19) VCF-style: chr2-219924962-C-T.
Identifiers: ClinVar variation 334445 (VCV000334445.9), dbSNP rs150747743, ClinGen allele CA2116749.

ClinVar aggregate classification (germline): Benign/Likely benign. Review status: criteria provided, multiple submitters, no conflicts (2 of 4 stars). 3 submissions from 3 submitters: Benign (2); Likely benign (1). Last evaluated 2024-08-12.

Conditions:
Brachydactyly type A1. Also called: FARABEE-TYPE BRACHYDACTYLY; SHORT STATURE WITH NONSPECIFIC SKELETAL ABNORMALITIES 2. Identifiers: Orphanet 93388, MedGen C1862151, MONDO:0007215, OMIM 112500, HP:0009371.

Allele frequency attached by ClinVar (database versions not stated): 1000 Genomes Project 30x 0.00031; 1000 Genomes Project 0.00040; TOPMed 0.00045; gnomAD 0.00046 and 0.00048; gnomAD exomes 0.00051 and 0.00076; ExAC 0.00089.

Submissions (3):

Blueprint Genetics
Classification: Likely benign. Last evaluated: 2024-08-12. Review status: criteria provided, single submitter. Criteria: ACMG Guidelines, 2015. Collection method: clinical testing. Allele origin: germline.

Labcorp Genetics (formerly Invitae), Labcorp
Classification: Benign. Last evaluated: 2018-06-28. Review status: criteria provided, single submitter. Criteria: Invitae Variant Classification Sherloc (09022015). Collection method: clinical testing. Allele origin: germline.

Illumina Laboratory Services, Illumina
Classification: Benign for Brachydactyly type A1. Last evaluated: 2018-01-13. Review status: criteria provided, single submitter. Criteria: ICSL Variant Classification Criteria 13 December 2019. Collection method: clinical testing. Allele origin: germline.
Comment: This variant was observed in the ICSL laboratory as part of a predisposition screen in an ostensibly healthy population. It had not been previously curated by ICSL or reported in the Human Gene Mutation Database (HGMD: prior to June 1st, 2018), and was therefore a candidate for classification through an automated scoring system. Utilizing variant allele frequency, disease prevalence and penetrance estimates, and inheritance mode, an automated score was calculated to assess if this variant is too frequent to cause the disease. Based on the score and internal cut-off values, a variant classified as benign is not then subjected to further curation. The score for this variant resulted in a classification of benign for this disease.